The following is an entry in ClinVar:

NM_001271.4(CHD2):c.4542C>T (p.Ala1514=)

Gene: CHD2 (chromodomain helicase DNA binding protein 2; plus strand). Cytogenetic location: 15q26.1.
Variant type: single nucleotide variant.
Coding change: c.4542C>T on transcript NM_001271.4 (MANE Select); coding-DNA position 4542, C replaced by T.
Protein change: p.Ala1514=; no amino-acid change (alanine 1514 retained).
Molecular consequence: synonymous variant.
Genome position (GRCh38, 1-based): chr15:93,009,273, C>T. VCF-style: chr15-93009273-C-T. GRCh37 (hg19) VCF-style: chr15-93552503-C-T.
Identifiers: ClinVar variation 541368 (VCV000541368.19), dbSNP rs147115056, ClinGen allele CA7748496.

ClinVar aggregate classification (germline): Likely benign. Review status: criteria provided, multiple submitters, no conflicts (2 of 4 stars). 2 submissions from 2 submitters: Likely benign (2). Last evaluated 2025-10-26.

Conditions:
Developmental and epileptic encephalopathy 94 (DEE94). Also called: Epileptic encephalopathy, childhood-onset; CHD2-Related Neurodevelopmental Disorders. Identifiers: Orphanet 1942, Orphanet 2382, MedGen C3809278, MONDO:0014150, OMIM 615369.

Allele frequency attached by ClinVar (database versions not stated): gnomAD exomes 0.00003 and 0.00007; TOPMed 0.00003; ExAC 0.00004; gnomAD 0.00005 and 0.00006; ESP Exome Variant Server 0.00008.
gnomAD v4.1: 106 of 1,614,036 alleles (0.0066%); highest among the groups gnomAD compares: East Asian, 0.02%; no homozygotes.

Submissions (2):

Labcorp Genetics (formerly Invitae), Labcorp
Classification: Likely benign for Developmental and epileptic encephalopathy 94. Last evaluated: 2025-10-26. Review status: criteria provided, single submitter. Criteria: Invitae Variant Classification Sherloc (09022015). Collection method: clinical testing. Allele origin: germline.

CeGaT Center for Human Genetics Tuebingen
Classification: Likely benign. Last evaluated: 2025-07-01. Review status: criteria provided, single submitter. Criteria: CeGaT Center For Human Genetics Tuebingen Variant Classification Criteria Version 2. Collection method: clinical testing. Allele origin: germline. Affected: yes. Observed: 1 variant allele.
Comment: CHD2: BP4, BP7